The following is an entry in ClinVar:

NM_001106.4(ACVR2B):c.260+1G>C

Gene: ACVR2B (activin A receptor type 2B; plus strand). Cytogenetic location: 3p22.2.
Variant type: single nucleotide variant.
Coding change: c.260+1G>C on transcript NM_001106.4 (MANE Select); the canonical splice donor site of the intron after coding-DNA position 260, G replaced by C.
Molecular consequence: splice donor variant.
Genome position (GRCh38, 1-based): chr3:38,477,495, G>C. VCF-style: chr3-38477495-G-C. GRCh37 (hg19) VCF-style: chr3-38518986-G-C.
Identifiers: ClinVar variation 2019451 (VCV002019451.4), dbSNP rs2471255810, ClinGen allele CA352127050.

ClinVar aggregate classification (germline): Uncertain significance (1 of 4 stars; one submission).

Conditions:
Heterotaxy, visceral, 4, autosomal (HTX4). Identifiers: Orphanet 450, MedGen C3151057, MONDO:0013403, OMIM 613751.

Submission:

Labcorp Genetics (formerly Invitae), Labcorp
Classification: Uncertain significance for Heterotaxy, visceral, 4, autosomal. Last evaluated: 2023-08-17. Review status: criteria provided, single submitter. Criteria: Invitae Variant Classification Sherloc (09022015). Collection method: clinical testing. Allele origin: germline.
Comment: In summary, the available evidence is currently insufficient to determine the role of this variant in disease. Therefore, it has been classified as a Variant of Uncertain Significance. Algorithms developed to predict the effect of sequence changes on RNA splicing suggest that this variant may disrupt the consensus splice site. ClinVar contains an entry for this variant (Variation ID: 2019451). This variant has not been reported in the literature in individuals affected with ACVR2B-related conditions. This variant is not present in population databases (gnomAD no frequency). This sequence change affects a donor splice site in intron 2 of the ACVR2B gene. It is expected to disrupt RNA splicing. Variants that disrupt the donor or acceptor splice site typically lead to a loss of protein function (PMID: 16199547), however the current clinical and genetic evidence is not sufficient to establish whether loss-of-function variants in ACVR2B cause disease.

Literature cited by the submitters: PubMed 16199547.